The following is an entry in ClinVar:

NM_000936.4(PNLIP):c.1335G>T (p.Gln445His)

Gene: PNLIP (pancreatic lipase; plus strand). Cytogenetic location: 10q25.3.
Variant type: single nucleotide variant.
Coding change: c.1335G>T on transcript NM_000936.4 (MANE Select); coding-DNA position 1335, G replaced by T.
Protein change: p.Gln445His; replaces glutamine 445 with histidine.
Molecular consequence: missense variant.
Genome position (GRCh38, 1-based): chr10:116,567,735, G>T. VCF-style: chr10-116567735-G-T. GRCh37 (hg19) VCF-style: chr10-118327247-G-T.
Other names: short protein forms Q445H.
Identifiers: ClinVar variation 3678703 (VCV003678703.2).

ClinVar aggregate classification (germline): Uncertain significance (1 of 4 stars; one submission).

gnomAD v4.1: 6 of 1,613,498 alleles (0.00037%); highest among the groups gnomAD compares: South Asian, 0.0011%; no homozygotes.

Submission:

Labcorp Genetics (formerly Invitae), Labcorp
Classification: Uncertain significance. Last evaluated: 2024-02-27. Review status: criteria provided, single submitter. Criteria: Invitae Variant Classification Sherloc (09022015). Collection method: clinical testing. Allele origin: germline.
Comment: This sequence change replaces glutamine, which is neutral and polar, with histidine, which is basic and polar, at codon 445 of the PNLIP protein (p.Gln445His). This variant is present in population databases (no rsID available, gnomAD 0.003%). This variant has not been reported in the literature in individuals affected with PNLIP-related conditions. An algorithm developed to predict the effect of missense changes on protein structure and function (PolyPhen-2) suggests that this variant is likely to be tolerated. Algorithms developed to predict the effect of sequence changes on RNA splicing suggest that this variant may disrupt the consensus splice site. In summary, the available evidence is currently insufficient to determine the role of this variant in disease. Therefore, it has been classified as a Variant of Uncertain Significance.